The following is an entry in ClinVar:

ClinVar aggregate classification (germline): Uncertain significance (1 of 4 stars; one submission).

Conditions:
Hereditary nonpolyposis colorectal neoplasms. Identifiers: MedGen C0009405, MeSH D003123.

Allele frequency attached by ClinVar (database versions not stated): TOPMed below 0.00001.

Submission:

Labcorp Genetics (formerly Invitae), Labcorp
Classification: Uncertain significance for Hereditary nonpolyposis colorectal neoplasms. Last evaluated: 2023-06-23. Review status: criteria provided, single submitter. Criteria: Invitae Variant Classification Sherloc (09022015). Collection method: clinical testing. Allele origin: germline.
Comment: In summary, the available evidence is currently insufficient to determine the role of this variant in disease. Therefore, it has been classified as a Variant of Uncertain Significance. Advanced modeling of protein sequence and biophysical properties (such as structural, functional, and spatial information, amino acid conservation, physicochemical variation, residue mobility, and thermodynamic stability) performed at Invitae indicates that this missense variant is not expected to disrupt MSH6 protein function. This variant has not been reported in the literature in individuals affected with MSH6-related conditions. This variant is not present in population databases (gnomAD no frequency). This sequence change replaces glutamic acid, which is acidic and polar, with lysine, which is basic and polar, at codon 640 of the MSH6 protein (p.Glu640Lys).

NM_000179.3(MSH6):c.1918G>A (p.Glu640Lys)

Gene: MSH6 (mutS homolog 6; plus strand). Cytogenetic location: 2p16.3.
Variant type: single nucleotide variant.
Coding change: c.1918G>A on transcript NM_000179.3 (MANE Select); coding-DNA position 1918, G replaced by A.
Protein change: p.Glu640Lys; replaces glutamic acid 640 with lysine.
Molecular consequence: missense variant. On other transcripts: non-coding transcript variant (5), intron variant (2).
Genome position (GRCh38, 1-based): chr2:47,799,901, G>A. VCF-style: chr2-47799901-G-A. GRCh37 (hg19) VCF-style: chr2-48027040-G-A.
Other names: c.1528G>A, p.Glu510Lys (NM_001281492.2); c.1012G>A, p.Glu338Lys (NM_001281493.2, NM_001281494.2, NM_001406811.1 and 6 more transcripts); c.2014G>A, p.Glu672Lys (NM_001406795.1, NM_001406802.1); c.1918G>A, p.Glu640Lys (NM_001406796.1, NM_001406798.1, NM_001406800.1 and 3 more transcripts); c.1621G>A, p.Glu541Lys (NM_001406797.1, NM_001406801.1, NM_001406805.1 and 10 more transcripts); c.1393G>A, p.Glu465Lys (NM_001406799.1, NM_001406806.1, NM_001406807.1); c.1840G>A, p.Glu614Lys (NM_001406804.1); c.1924G>A, p.Glu642Lys (NM_001406813.1); and 3 more; short protein forms E338K, E584K, E614K, E640K, E510K, E672K, E465K, E541K.
Identifiers: ClinVar variation 2725400 (VCV002725400.3), dbSNP rs1669393906, ClinGen allele CA346750257.